The following is an entry in ClinVar:

ClinVar aggregate classification (germline): Uncertain significance. Review status: criteria provided, multiple submitters, no conflicts (2 of 4 stars). 4 submissions from 3 submitters: Uncertain significance (4). Last evaluated 2026-05-22.

Conditions:
Obesity due to pro-opiomelanocortin deficiency. Also called: Obesity, adrenal insufficiency, and red hair due to POMC deficiency; OBESITY, EARLY-ONSET, WITH ADRENAL INSUFFICIENCY AND RED HAIR; PROOPIOMELANOCORTIN DEFICIENCY. Identifiers: Orphanet 71526, MedGen C1857854, MONDO:0012335, OMIM 609734.
POMC-related disorder. Also called: POMC-related condition; POMC-related disorders.
Obesity. Also called: Obesity disorder. Identifiers: Orphanet 71529, MedGen C0028754, MeSH D009765, MONDO:0011122, HP:0001513.

Allele frequency attached by ClinVar (database versions not stated): gnomAD exomes 0.00002 and 0.00005; TOPMed 0.00003; ExAC 0.00004; gnomAD 0.00005 and 0.00004.
gnomAD v4.1: 34 of 1,611,794 alleles (0.0021%); highest among the groups gnomAD compares: Admixed American, 0.015%; no homozygotes.

Submissions (4):

PreventionGenetics, part of Exact Sciences
Classification: Uncertain significance for POMC-related condition. Last evaluated: 2026-05-22. Review status: criteria provided, single submitter. Criteria: ACMG Guidelines, 2015. Collection method: clinical testing. Allele origin: germline.
Comment: The POMC c.638C>T variant is predicted to result in the amino acid substitution p.Ala213Val. This variant was observed in a cohort of individuals with obesity, and in vitro functional studies showed inconclusive evidence of loss of function (Supplemental Data Set, Shah et al. 2023. PubMed ID: 36864747). This variant is reported in 0.020% of alleles in individuals of Latino descent in gnomAD. At this time, the clinical significance of this variant is uncertain due to the absence of conclusive functional and genetic evidence.

Labcorp Genetics (formerly Invitae), Labcorp
Classification: Uncertain significance. Last evaluated: 2023-12-21. Review status: criteria provided, single submitter. Criteria: Invitae Variant Classification Sherloc (09022015). Collection method: clinical testing. Allele origin: germline.
Comment: This sequence change replaces alanine, which is neutral and non-polar, with valine, which is neutral and non-polar, at codon 213 of the POMC protein (p.Ala213Val). This variant is present in population databases (rs757423347, gnomAD 0.02%). This variant has not been reported in the literature in individuals affected with POMC-related conditions. ClinVar contains an entry for this variant (Variation ID: 895579). Advanced modeling of protein sequence and biophysical properties (such as structural, functional, and spatial information, amino acid conservation, physicochemical variation, residue mobility, and thermodynamic stability) performed at Invitae indicates that this missense variant is not expected to disrupt POMC protein function with a negative predictive value of 80%. In summary, the available evidence is currently insufficient to determine the role of this variant in disease. Therefore, it has been classified as a Variant of Uncertain Significance.

Illumina Laboratory Services, Illumina
Classification: Uncertain significance for Inherited obesity. Last evaluated: 2017-04-27. Review status: criteria provided, single submitter. Criteria: ICSL Variant Classification Criteria 13 December 2019. Collection method: clinical testing. Allele origin: germline.

Illumina Laboratory Services, Illumina
Classification: Uncertain significance for Obesity due to pro-opiomelanocortin deficiency. Last evaluated: 2017-04-27. Review status: criteria provided, single submitter. Criteria: ICSL Variant Classification Criteria 13 December 2019. Collection method: clinical testing. Allele origin: germline.

NM_000939.4(POMC):c.638C>T (p.Ala213Val)

Gene: POMC (proopiomelanocortin; minus strand). Cytogenetic location: 2p23.3.
Variant type: single nucleotide variant.
Coding change: c.638C>T on transcript NM_000939.4 (MANE Select); coding-DNA position 638, C replaced by T.
Protein change: p.Ala213Val; replaces alanine 213 with valine.
Molecular consequence: missense variant.
Genome position (GRCh38, 1-based): chr2:25,161,247, G>A on the plus strand (C>T on the coding strand, the complement: POMC is on the minus strand). VCF-style: chr2-25161247-G-A. GRCh37 (hg19) VCF-style: chr2-25384116-G-A.
Other names: c.638C>T, p.Ala213Val (NM_001035256.3, NM_001319204.2, NM_001319205.2); c.638C>T (NM_000939.3); short protein forms A213V.
Identifiers: ClinVar variation 895579 (VCV000895579.8), dbSNP rs757423347, ClinGen allele CA1555251.